The following is an entry in ClinVar:

ClinVar aggregate classification (germline): Likely pathogenic. Review status: criteria provided, multiple submitters, no conflicts (2 of 4 stars). 3 submissions from 3 submitters: Likely pathogenic (3). Last evaluated 2024-03-05.

Conditions:
Pontocerebellar hypoplasia type 6 (PCH6). Identifiers: Orphanet 166073, MedGen C1969084, MONDO:0012683, OMIM 611523.

Submissions (3):

Fulgent Genetics
Classification: Likely pathogenic for Pontocerebellar hypoplasia type 6. Last evaluated: 2024-03-05. Review status: criteria provided, single submitter. Criteria: ACMG Guidelines, 2015. Collection method: clinical testing. Allele origin: germline.

Labcorp Genetics (formerly Invitae), Labcorp
Classification: Likely pathogenic. Last evaluated: 2024-02-23. Review status: criteria provided, single submitter. Criteria: Invitae Variant Classification Sherloc (09022015). Collection method: clinical testing. Allele origin: germline.
Comment: This sequence change affects an acceptor splice site in intron 13 of the RARS2 gene. It is expected to disrupt RNA splicing. Variants that disrupt the donor or acceptor splice site typically lead to a loss of protein function (PMID: 16199547), and loss-of-function variants in RARS2 are known to be pathogenic (PMID: 17847012, 22569581, 26083569). This variant is not present in population databases (gnomAD no frequency). This variant has not been reported in the literature in individuals affected with RARS2-related conditions. Algorithms developed to predict the effect of sequence changes on RNA splicing suggest that this variant may disrupt the consensus splice site. In summary, the currently available evidence indicates that the variant is pathogenic, but additional data are needed to prove that conclusively. Therefore, this variant has been classified as Likely Pathogenic.

Baylor Genetics
Classification: Likely pathogenic for Pontocerebellar hypoplasia type 6. Last evaluated: 2022-05-21. Review status: criteria provided, single submitter. Criteria: ACMG Guidelines, 2015. Collection method: clinical testing. Allele origin: unknown.

Literature cited by the submitters: PubMed 16199547 (cited by Labcorp Genetics (formerly Invitae), Labcorp); PubMed 17847012 (cited by Labcorp Genetics (formerly Invitae), Labcorp); PubMed 22569581 (cited by Labcorp Genetics (formerly Invitae), Labcorp); PubMed 26083569 (cited by Labcorp Genetics (formerly Invitae), Labcorp).

NM_020320.5(RARS2):c.1113-2A>G

Gene: RARS2 (arginyl-tRNA synthetase 2, mitochondrial; minus strand). Cytogenetic location: 6q15.
Variant type: single nucleotide variant.
Coding change: c.1113-2A>G on transcript NM_020320.5 (MANE Select); the canonical splice acceptor site of the intron before coding-DNA position 1113, A replaced by G.
Molecular consequence: splice acceptor variant.
Genome position (GRCh38, 1-based): chr6:87,519,709, T>C on the plus strand (A>G on the coding strand, the complement: RARS2 is on the minus strand). VCF-style: chr6-87519709-T-C. GRCh37 (hg19) VCF-style: chr6-88229427-T-C.
Other names: c.1113-2A>G (NM_001350505.2); c.588-2A>G (NM_001350509.2, NM_001318785.2, NM_001350506.2 and 4 more transcripts).
Identifiers: ClinVar variation 2678275 (VCV002678275.5), dbSNP rs2483164110, ClinGen allele CA364924259.
Genomic context (GRCh38, chr6:87,519,709, plus strand): 5'-TGACATCTCCTCTTCGAGTCTTCATTCCCTGTACTACTCCAAAGGGCACGTGCTGGCACC[T>C]AAAAGAGTGGGCATCTAGTTAACTGAAAGCTAAACAAGAGCTGCTGCTGAAAGCATATAA-3'